The following is an entry in ClinVar:

ClinVar aggregate classification (germline): Uncertain significance. Review status: criteria provided, multiple submitters, no conflicts (2 of 4 stars). 3 submissions from 3 submitters: Uncertain significance (3). Last evaluated 2026-01-05.

Allele frequency attached by ClinVar (database versions not stated): gnomAD exomes below 0.00001; TOPMed 0.00001; 1000 Genomes Project 30x 0.00016; 1000 Genomes Project 0.00020.
gnomAD v4.1: 6 of 1,611,878 alleles (0.00037%); highest among the groups gnomAD compares: South Asian, 0.0011%; no homozygotes.

Submissions (3):

Labcorp Genetics (formerly Invitae), Labcorp
Classification: Uncertain significance. Last evaluated: 2026-01-05. Review status: criteria provided, single submitter. Criteria: Invitae Variant Classification Sherloc (09022015). Collection method: clinical testing. Allele origin: germline.
Comment: This sequence change replaces arginine, which is basic and polar, with tryptophan, which is neutral and slightly polar, at codon 536 of the CDH23 protein (p.Arg536Trp). This variant is not present in population databases (gnomAD no frequency). This missense change has been observed in individual(s) with hearing loss (PMID: 35939872). ClinVar contains an entry for this variant (Variation ID: 916216). Invitae Evidence Modeling of protein sequence and biophysical properties (such as structural, functional, and spatial information, amino acid conservation, physicochemical variation, residue mobility, and thermodynamic stability) has been performed for this missense variant. However, the output from this modeling did not meet the statistical confidence thresholds required to predict the impact of this variant on CDH23 protein function. In summary, the available evidence is currently insufficient to determine the role of this variant in disease. Therefore, it has been classified as a Variant of Uncertain Significance.

GeneDx
Classification: Uncertain significance. Last evaluated: 2024-11-07. Review status: criteria provided, single submitter. Criteria: GeneDx Variant Classification Process June 2021. Collection method: clinical testing. Allele origin: germline. Affected: yes.
Comment: Not observed at significant frequency in large population cohorts (gnomAD); In silico analysis supports that this missense variant has a deleterious effect on protein structure/function; This variant is associated with the following publications: (PMID: 35846127, 35939872)

CeGaT Center for Human Genetics Tuebingen
Classification: Uncertain significance. Last evaluated: 2020-03-01. Review status: criteria provided, single submitter. Criteria: CeGaT Center For Human Genetics Tuebingen Variant Classification Criteria Version 2. Collection method: clinical testing. Allele origin: germline. Affected: yes. Observed: 1 variant allele.

Literature cited by the submitters: PubMed 35939872 (cited by Labcorp Genetics (formerly Invitae), Labcorp).

NM_022124.6(CDH23):c.1606C>T (p.Arg536Trp)

Gene: CDH23 (cadherin related 23; plus strand). Cytogenetic location: 10q22.1.
Variant type: single nucleotide variant.
Coding change: c.1606C>T on transcript NM_022124.6 (MANE Select); coding-DNA position 1606, C replaced by T.
Protein change: p.Arg536Trp; replaces arginine 536 with tryptophan.
Molecular consequence: missense variant.
Genome position (GRCh38, 1-based): chr10:71,677,547, C>T. VCF-style: chr10-71677547-C-T. GRCh37 (hg19) VCF-style: chr10-73437304-C-T.
Other names: c.1606C>T, p.Arg536Trp (NM_001171930.2, NM_001171931.2); c.1606C>T (NM_022124.5); short protein forms R536W.
Identifiers: ClinVar variation 916216 (VCV000916216.41), dbSNP rs564161575, ClinGen allele CA209427638.